The following is an entry in ClinVar:

ClinVar aggregate classification (germline): Uncertain significance (1 of 4 stars; one submission).

Submission:

Labcorp Genetics (formerly Invitae), Labcorp
Classification: Uncertain significance. Last evaluated: 2024-07-15. Review status: criteria provided, single submitter. Criteria: Invitae Variant Classification Sherloc (09022015). Collection method: clinical testing. Allele origin: germline.
Comment: This sequence change replaces serine, which is neutral and polar, with glycine, which is neutral and non-polar, at codon 749 of the BCL11B protein (p.Ser749Gly). This variant is not present in population databases (gnomAD no frequency). This variant has not been reported in the literature in individuals affected with BCL11B-related conditions. Advanced modeling of protein sequence and biophysical properties (such as structural, functional, and spatial information, amino acid conservation, physicochemical variation, residue mobility, and thermodynamic stability) has been performed at Invitae for this missense variant, however the output from this modeling did not meet the statistical confidence thresholds required to predict the impact of this variant on BCL11B protein function. In summary, the available evidence is currently insufficient to determine the role of this variant in disease. Therefore, it has been classified as a Variant of Uncertain Significance.

NM_138576.4(BCL11B):c.2245A>G (p.Ser749Gly)

Gene: BCL11B (BCL11 transcription factor B; minus strand). Cytogenetic location: 14q32.2.
Variant type: single nucleotide variant.
Coding change: c.2245A>G on transcript NM_138576.4 (MANE Select); coding-DNA position 2245, A replaced by G.
Protein change: p.Ser749Gly; replaces serine 749 with glycine.
Molecular consequence: missense variant.
Genome position (GRCh38, 1-based): chr14:99,174,591, T>C on the plus strand (A>G on the coding strand, the complement: BCL11B is on the minus strand). VCF-style: chr14-99174591-T-C. GRCh37 (hg19) VCF-style: chr14-99640928-T-C.
Other names: c.2242A>G, p.Ser748Gly (NM_001282237.2); c.2029A>G, p.Ser677Gly (NM_001282238.2); c.2032A>G, p.Ser678Gly (NM_022898.3); short protein forms S678G, S748G, S677G, S749G.
Identifiers: ClinVar variation 2860704 (VCV002860704.3), dbSNP rs2503638100, ClinGen allele CA390933646.